The following is an entry in ClinVar:

NM_144573.4(NEXN):c.392A>C (p.Gln131Pro)

Genes: NEXN (nexilin F-actin binding protein; plus strand), LOC126805765 (BRD4-independent group 4 enhancer GRCh37_chr1:78383688-78384887; plus strand). Cytogenetic location: 1p31.1.
Variant type: single nucleotide variant.
Coding change: c.392A>C on transcript NM_144573.4 (MANE Select); coding-DNA position 392, A replaced by C.
Protein change: p.Gln131Pro; replaces glutamine 131 with proline.
Molecular consequence: missense variant.
Genome position (GRCh38, 1-based): chr1:77,918,218, A>C. VCF-style: chr1-77918218-A-C. GRCh37 (hg19) VCF-style: chr1-78383903-A-C.
Other names: c.200A>C, p.Gln67Pro (NM_001172309.2); short protein forms Q131P, Q67P.
Identifiers: ClinVar variation 264597 (VCV000264597.11), dbSNP rs397517858, ClinGen allele CA10587438.

ClinVar aggregate classification (germline): Uncertain significance. Review status: criteria provided, multiple submitters, no conflicts (2 of 4 stars). 2 submissions from 2 submitters: Uncertain significance (2). Last evaluated 2021-09-01.

Conditions:
Hypertrophic cardiomyopathy 20. Identifiers: MedGen C3151267, MONDO:0013477, OMIM 613876.
Dilated cardiomyopathy 1CC (CMD1CC). Identifiers: Orphanet 154, MedGen C2751084, MONDO:0013147, OMIM 613122.
Cardiovascular phenotype. Identifiers: MedGen CN230736.

Submissions (2):

Labcorp Genetics (formerly Invitae), Labcorp
Classification: Uncertain significance for Dilated cardiomyopathy 1CC; Hypertrophic cardiomyopathy 20. Last evaluated: 2021-09-01. Review status: criteria provided, single submitter. Criteria: Invitae Variant Classification Sherloc (09022015). Collection method: clinical testing. Allele origin: germline.
Comment: This sequence change replaces glutamine with proline at codon 131 of the NEXN protein (p.Gln131Pro). The glutamine residue is highly conserved and there is a moderate physicochemical difference between glutamine and proline. This variant is not present in population databases (ExAC no frequency). This variant has not been reported in the literature in individuals affected with NEXN-related conditions. ClinVar contains an entry for this variant (Variation ID: 264597). Algorithms developed to predict the effect of missense changes on protein structure and function are either unavailable or do not agree on the potential impact of this missense change (SIFT: "Deleterious"; PolyPhen-2: "Possibly Damaging"; Align-GVGD: "Class C0"). In summary, the available evidence is currently insufficient to determine the role of this variant in disease. Therefore, it has been classified as a Variant of Uncertain Significance.

Ambry Genetics
Classification: Uncertain significance for Cardiovascular phenotype. Last evaluated: 2015-12-04. Review status: criteria provided, single submitter. Criteria: Ambry Variant Classification Scheme 2023. Collection method: clinical testing. Allele origin: germline.
Comment: The p.Q131P variant (also known as c.392A>C), located in coding exon 4 of the NEXN gene, results from an A to C substitution at nucleotide position 392. The glutamine at codon 131 is replaced by proline, an amino acid with some similar properties. Another alteration affecting the same amino acid, p.Q131E (c.391C>G), has been reported in association with hypertrophic cardiomyopathy (Wang H, Am. J. Hum. Genet. 2010 Nov; 87(5):687-93). This variant was not reported in population based cohorts in the following databases: Database of Single Nucleotide Polymorphisms (dbSNP), NHLBI Exome Sequencing Project (ESP), and 1000 Genomes Project. In the ESP, this variant was not observed in 6020 samples (12040 alleles) with coverage at this position. This amino acid position is highly conserved in available vertebrate species. In addition, this alteration is predicted to be deleterious by in silico analysis. Since supporting evidence is limited at this time, the clinical significance of this variant remains unclear.